The following is an entry in ClinVar:

ClinVar aggregate classification (germline): Likely benign (0 of 4 stars; one submission).

Conditions:
MYO9B-related disorder. Also called: MYO9B-related condition.

Submission:

PreventionGenetics, part of Exact Sciences
Classification: Likely benign for MYO9B-related condition. Last evaluated: 2019-06-18. Review status: no assertion criteria provided. Collection method: clinical testing. Allele origin: germline.
Comment: This variant is classified as likely benign based on ACMG/AMP sequence variant interpretation guidelines (Richards et al. 2015 PMID: 25741868, with internal and published modifications).

NM_004145.4(MYO9B):c.4662+6T>G

Gene: MYO9B (myosin IXB; plus strand). Cytogenetic location: 19p13.11.
Variant type: single nucleotide variant.
Coding change: c.4662+6T>G on transcript NM_004145.4 (MANE Select); 6 bases into the intron after coding-DNA position 4662, T replaced by G.
Molecular consequence: intron variant.
Genome position (GRCh38, 1-based): chr19:17,202,030, T>G. VCF-style: chr19-17202030-T-G. GRCh37 (hg19) VCF-style: chr19-17312839-T-G.
Other names: c.4662+6T>G (NM_001130065.2).
Identifiers: ClinVar variation 3033989 (VCV003033989.2), dbSNP rs2073111533, ClinGen allele CA2576710208.
Genomic context (GRCh38, chr19:17,202,030, plus strand): 5'-TATCGAAGCCACCGAGAAGTTCAGGAGCAACATCAAAACGATGTACTCTGTCCCGGTATG[T>G]GGCGGCCCGGCCTTCAGCCTTTCCCATACCCTGCTCAGACCCGTCATTCCCATCCGCCCC-3'